The following is an entry in ClinVar:

NM_000059.4(BRCA2):c.2006A>G (p.Lys669Arg)

Gene: BRCA2 (BRCA2 DNA repair associated; plus strand). Cytogenetic location: 13q13.1.
Variant type: single nucleotide variant.
Coding change: c.2006A>G on transcript NM_000059.4 (MANE Select); coding-DNA position 2006, A replaced by G.
Protein change: p.Lys669Arg; replaces lysine 669 with arginine.
Molecular consequence: missense variant. On other transcripts: non-coding transcript variant (1), intron variant (2).
Genome position (GRCh38, 1-based): chr13:32,336,361, A>G. VCF-style: chr13-32336361-A-G. GRCh37 (hg19) VCF-style: chr13-32910498-A-G.
Other names: c.2006A>G, p.Lys669Arg (NM_001406719.1, NM_001406720.1, NM_001432077.1); c.1909+2974A>G (NM_001406721.1); c.424+5331A>G (NM_001406722.1); short protein forms K669R.
Identifiers: ClinVar variation 4867757 (VCV004867757.1).

ClinVar aggregate classification (germline): Uncertain significance (1 of 4 stars; one submission).

Conditions:
Hereditary cancer-predisposing syndrome. Also called: Neoplastic Syndromes, Hereditary; Tumor predisposition; Hereditary Cancer Syndrome; Hereditary neoplastic syndrome. Identifiers: Orphanet 140162, MedGen C0027672, MeSH D009386, MONDO:0015356.

gnomAD v4.1: 1 of 1,609,602 alleles (0.000062%); highest among the groups gnomAD compares: South Asian, 0.0011%; no homozygotes.

Submission:

Ambry Genetics
Classification: Uncertain significance for Hereditary cancer-predisposing syndrome. Last evaluated: 2026-03-28. Review status: criteria provided, single submitter. Criteria: Ambry Variant Classification Scheme 2023. Collection method: clinical testing. Allele origin: germline.
Comment: The p.K669R variant (also known as c.2006A>G), located in coding exon 10 of the BRCA2 gene, results from an A to G substitution at nucleotide position 2006. The lysine at codon 669 is replaced by arginine, an amino acid with highly similar properties. This amino acid position is conserved. In addition, the in silico prediction for this alteration is inconclusive. Based on the available evidence, the clinical significance of this variant remains unclear.